The following is an entry in ClinVar:

ClinVar aggregate classification (germline): Likely benign. Review status: reviewed by expert panel (3 of 4 stars). 4 submissions from 4 submitters: Likely benign (1). 3 of the submissions do not count toward it. Last evaluated 2026-10-05.

Conditions:
Inborn genetic diseases. Identifiers: MedGen C0950123, MeSH D030342.
Alexander disease (ALXDRD). Also called: Alexander's disease. Identifiers: Orphanet 58, MedGen C0270726, MONDO:0008752, OMIM 203450.

Allele frequency attached by ClinVar (database versions not stated): gnomAD 0.00003 and 0.00004; ExAC 0.00004; gnomAD exomes 0.00004 and 0.00006; TOPMed 0.00004; ESP Exome Variant Server 0.00008.

Submissions (4):

ClinGen Leukodystrophy and Leukoencephalopathy Variant Curation Expert Panel, ClinGen
Classification: Likely benign for Alexander disease. Last evaluated: 2026-10-05. Review status: reviewed by expert panel. Criteria: ClinGen Leuko ACMG Specifications GFAP V1.0. Collection method: curation. Allele origin: germline. Inheritance: Autosomal dominant inheritance.
Comment: The NM_002055.5(GFAP):c.85C>T variant in GFAP is a missense variant predicted to cause substitution of arginine by cysteine at amino acid 29 (p.Arg29Cys). The GrpMax filtering allele frequency in gnomAD v4.1.1 is 0.0000488, which is higher than the ClinGen Leukodystrophy and Leukoencephalopathy VCEP threshold (>0.00001) for BS1, and therefore meets this criteria (BS1). In summary, this variant meets the criteria to be classified as Likely Benign for Alexander disease based on the ACMG/AMP criteria applied, as specified by the ClinGen Leukodystrophy and Leukoencephalopathy VCEP: BS1. (ClinGen Leukodystrophy and Leukoencephalopathy VCEP Specifications Version Version 1.0.0)

Ambry Genetics
Classification: Uncertain significance for Inborn genetic diseases. Last evaluated: 2023-12-21. Review status: criteria provided, single submitter. Criteria: Ambry Variant Classification Scheme 2023. Collection method: clinical testing. Allele origin: germline. Not counted in ClinVar's aggregate classification.

Labcorp Genetics (formerly Invitae), Labcorp
Classification: Uncertain significance. Last evaluated: 2022-09-27. Review status: criteria provided, single submitter. Criteria: Invitae Variant Classification Sherloc (09022015). Collection method: clinical testing. Allele origin: germline. Not counted in ClinVar's aggregate classification.
Comment: In summary, the available evidence is currently insufficient to determine the role of this variant in disease. Therefore, it has been classified as a Variant of Uncertain Significance. This sequence change replaces arginine, which is basic and polar, with cysteine, which is neutral and slightly polar, at codon 29 of the GFAP protein (p.Arg29Cys). This variant is present in population databases (rs370903792, gnomAD 0.02%). This variant has not been reported in the literature in individuals affected with GFAP-related conditions. ClinVar contains an entry for this variant (Variation ID: 1298708). Algorithms developed to predict the effect of missense changes on protein structure and function (SIFT, PolyPhen-2, Align-GVGD) all suggest that this variant is likely to be disruptive.

CeGaT Center for Human Genetics Tuebingen
Classification: Uncertain significance. Last evaluated: 2022-05-01. Review status: criteria provided, single submitter. Criteria: CeGaT Center For Human Genetics Tuebingen Variant Classification Criteria Version 2. Collection method: clinical testing. Allele origin: germline. Affected: yes. Observed: 2 variant alleles. Not counted in ClinVar's aggregate classification.

NM_002055.5(GFAP):c.85C>T (p.Arg29Cys)

Gene: GFAP (glial fibrillary acidic protein; minus strand). Cytogenetic location: 17q21.31.
Variant type: single nucleotide variant.
Coding change: c.85C>T on transcript NM_002055.5 (MANE Select); coding-DNA position 85, C replaced by T.
Protein change: p.Arg29Cys; replaces arginine 29 with cysteine.
Molecular consequence: missense variant.
Genome position (GRCh38, 1-based): chr17:44,915,402, G>A on the plus strand (C>T on the coding strand, the complement: GFAP is on the minus strand). VCF-style: chr17-44915402-G-A. GRCh37 (hg19) VCF-style: chr17-42992770-G-A.
Other names: NM_002055.5(GFAP):c.85C>T; p.Arg29Cys; c.85C>T (NM_002055.4); c.85C>T, p.Arg29Cys (NM_001131019.3, NM_001242376.3, NM_001363846.2); short protein forms R29C.
Identifiers: ClinVar variation 1298708 (VCV001298708.41), dbSNP rs370903792, ClinGen allele CA8609112.